The following is an entry in ClinVar:

NM_001330260.2(SCN8A):c.3863A>G (p.Glu1288Gly)

Gene: SCN8A (sodium voltage-gated channel alpha subunit 8; plus strand). Cytogenetic location: 12q13.13.
Variant type: single nucleotide variant.
Coding change: c.3863A>G on transcript NM_001330260.2 (MANE Select); coding-DNA position 3863, A replaced by G.
Protein change: p.Glu1288Gly; replaces glutamic acid 1288 with glycine.
Molecular consequence: missense variant. On other transcripts: intron variant (2).
Genome position (GRCh38, 1-based): chr12:51,780,692, A>G. VCF-style: chr12-51780692-A-G. GRCh37 (hg19) VCF-style: chr12-52174476-A-G.
Other names: c.3863A>G, p.Glu1288Gly (NM_014191.4); c.3820-5850A>G (NM_001177984.3, NM_001369788.1); short protein forms E1288G.
Identifiers: ClinVar variation 4801282 (VCV004801282.1).
Genomic context (GRCh38, chr12:51,780,692, plus strand): 5'-CTTCTGTTTCTGTGTAGGTCTCTTTAGTCAGCCTTATAGCTAATGCCCTGGGCTACTCGG[A>G]ACTAGGTGCCATAAAGTCCCTTAGGACCCTAAGAGCTTTGAGACCCTTAAGAGCCTTATC-3'
Protein context (NP_001317189.1, residues 1278-1298): SLIANALGYS[Glu1288Gly]LGAIKSLRTL

ClinVar aggregate classification (germline): Uncertain significance (1 of 4 stars; one submission).

Conditions:
Early-infantile DEE. Also called: Early infantile epileptic encephalopathy with suppression bursts; Early infantile epileptic encephalopathy; Ohtahara syndrome. Identifiers: Orphanet 1934, MedGen C0393706, MONDO:0800491.

Submission:

Labcorp Genetics (formerly Invitae), Labcorp
Classification: Uncertain significance for Early-infantile DEE. Last evaluated: 2025-12-10. Review status: criteria provided, single submitter. Criteria: Invitae Variant Classification Sherloc (09022015). Collection method: clinical testing. Allele origin: germline.
Comment: This sequence change replaces glutamic acid, which is acidic and polar, with glycine, which is neutral and non-polar, at codon 1288 of the SCN8A protein (p.Glu1288Gly). This variant is not present in population databases (gnomAD no frequency). This variant has not been reported in the literature in individuals affected with SCN8A-related conditions. Invitae Evidence Modeling of protein sequence and biophysical properties (such as structural, functional, and spatial information, amino acid conservation, physicochemical variation, residue mobility, and thermodynamic stability) indicates that this missense variant is not expected to disrupt SCN8A protein function with a negative predictive value of 95%. In summary, the available evidence is currently insufficient to determine the role of this variant in disease. Therefore, it has been classified as a Variant of Uncertain Significance.